The following is an entry in ClinVar:

ClinVar aggregate classification (germline): Uncertain significance (1 of 4 stars; one submission).

Allele frequency attached by ClinVar (database versions not stated): gnomAD 0.00001; TOPMed 0.00002; ESP Exome Variant Server 0.00008.
gnomAD v4.1: 28 of 1,614,034 alleles (0.0017%); highest among the groups gnomAD compares: Admixed American, 0.015%; no homozygotes.

Submission:

Labcorp Genetics (formerly Invitae), Labcorp
Classification: Uncertain significance. Last evaluated: 2022-05-25. Review status: criteria provided, single submitter. Criteria: Invitae Variant Classification Sherloc (09022015). Collection method: clinical testing. Allele origin: germline.
Comment: In summary, the available evidence is currently insufficient to determine the role of this variant in disease. Therefore, it has been classified as a Variant of Uncertain Significance. Algorithms developed to predict the effect of missense changes on protein structure and function (SIFT, PolyPhen-2, Align-GVGD) all suggest that this variant is likely to be tolerated. This variant has not been reported in the literature in individuals affected with CCND2-related conditions. This variant is present in population databases (rs367874736, gnomAD 0.02%). This sequence change replaces arginine, which is basic and polar, with glutamine, which is neutral and polar, at codon 171 of the CCND2 protein (p.Arg171Gln).

NM_001759.4(CCND2):c.512G>A (p.Arg171Gln)

Gene: CCND2 (cyclin D2; plus strand). Cytogenetic location: 12p13.32.
Variant type: single nucleotide variant.
Coding change: c.512G>A on transcript NM_001759.4 (MANE Select); coding-DNA position 512, G replaced by A.
Protein change: p.Arg171Gln; replaces arginine 171 with glutamine.
Molecular consequence: missense variant.
Genome position (GRCh38, 1-based): chr12:4,278,860, G>A. VCF-style: chr12-4278860-G-A. GRCh37 (hg19) VCF-style: chr12-4388026-G-A.
Other names: short protein forms R171Q.
Identifiers: ClinVar variation 2173931 (VCV002173931.4), dbSNP rs367874736, ClinGen allele CA6395252.